The following is an entry in ClinVar:

NM_001040108.2(MLH3):c.287C>G (p.Ala96Gly)

Gene: MLH3 (mutL homolog 3; minus strand). Cytogenetic location: 14q24.3.
Variant type: single nucleotide variant.
Coding change: c.287C>G on transcript NM_001040108.2 (MANE Select); coding-DNA position 287, C replaced by G.
Protein change: p.Ala96Gly; replaces alanine 96 with glycine.
Molecular consequence: missense variant.
Genome position (GRCh38, 1-based): chr14:75,049,369, G>C on the plus strand (C>G on the coding strand, the complement: MLH3 is on the minus strand). VCF-style: chr14-75049369-G-C. GRCh37 (hg19) VCF-style: chr14-75516072-G-C.
Other names: c.287C>G, p.Ala96Gly (NM_014381.3); short protein forms A96G.
Identifiers: ClinVar variation 3396632 (VCV003396632.1).
Genomic context (GRCh38, chr14:75,049,369, plus strand): 5'-GTCCTGTTTTTCTTGGACGAAATTTCCACAGCACTGGCCATGTCAGCAATATTTGCCAAG[G>C]CCTCTCCTCGGAAACCATAAAACCTTGGATTCTCCAAGTCCTGTACCGAGTGGCATTTAC-3'
Protein context (NP_001035197.1, residues 86-106): NPRFYGFRGE[Ala96Gly]LANIADMASA

ClinVar aggregate classification (germline): Uncertain significance (1 of 4 stars; one submission).

Submission:

Ambry Genetics
Classification: Uncertain significance. Last evaluated: 2024-10-24. Review status: criteria provided, single submitter. Criteria: Ambry Variant Classification Scheme 2023. Collection method: clinical testing. Allele origin: germline.
Comment: The p.A96G variant (also known as c.287C>G), located in coding exon 1 of the MLH3 gene, results from a C to G substitution at nucleotide position 287. The alanine at codon 96 is replaced by glycine, an amino acid with similar properties. This amino acid position is conserved. In addition, the in silico prediction for this alteration is inconclusive. Based on the available evidence, the clinical significance of this variant remains unclear.